The following is an entry in ClinVar:

ClinVar aggregate classification (germline): other (0 of 4 stars; one submission).

Conditions:
Familial colorectal cancer. Identifiers: MedGen CN280943, MONDO:0023113. Disease mechanism: loss of function.

Submission:

Systems Biology Platform Zhejiang California International NanoSystems Institute
Classification: other for Familial colorectal cancer. Review status: no assertion criteria provided. Collection method: not provided. Allele origin: unknown.
ClinVar note: Converted during submission from cancer to other.

NM_000038.6(APC):c.645+541T>A

Gene: APC (APC regulator of WNT signaling pathway; plus strand). Cytogenetic location: 5q22.2.
Variant type: single nucleotide variant.
Coding change: c.645+541T>A on transcript NM_000038.6 (MANE Select); 541 bases into the intron after coding-DNA position 645, T replaced by A.
Molecular consequence: intron variant.
Genome position (GRCh38, 1-based): chr5:112,781,444, T>A. VCF-style: chr5-112781444-T-A. GRCh37 (hg19) VCF-style: chr5-112117141-T-A.
Other names: c.645+541T>A (NM_001354895.2, NM_001127510.3, NM_001354896.2 and 2 more transcripts); c.675+541T>A (NM_001354897.2, NM_001354902.2, NM_001127511.3); c.570+541T>A (NM_001354898.2, NM_001354904.2); c.-391+541T>A (NM_001354906.2); c.468+541T>A (NM_001354900.2, NM_001354901.2, NM_001354905.2).
Identifiers: ClinVar variation 82940 (VCV000082940.2), dbSNP rs76178467, ClinGen allele CA011595.